The following is an entry in ClinVar:

ClinVar aggregate classification (germline): Uncertain significance (1 of 4 stars; one submission).

Submission:

Labcorp Genetics (formerly Invitae), Labcorp
Classification: Uncertain significance. Last evaluated: 2023-10-05. Review status: criteria provided, single submitter. Criteria: Invitae Variant Classification Sherloc (09022015). Collection method: clinical testing. Allele origin: germline.
Comment: This sequence change falls in intron 11 of the ADAMTS17 gene. It does not directly change the encoded amino acid sequence of the ADAMTS17 protein. This variant is not present in population databases (gnomAD no frequency). This variant has not been reported in the literature in individuals affected with ADAMTS17-related conditions. This variant is also known as p.Glu531Aspfs*10. Experimental studies and prediction algorithms are not available or were not evaluated, and the effect of this variant on mRNA splicing is currently unknown. In summary, the available evidence is currently insufficient to determine the role of this variant in disease. Therefore, it has been classified as a Variant of Uncertain Significance.

NM_139057.4(ADAMTS17):c.1576-3_1592dup

Gene: ADAMTS17 (ADAM metallopeptidase with thrombospondin type 1 motif 17; minus strand). Cytogenetic location: 15q26.3.
Variant type: Duplication.
Coding change: c.1576-3_1592dup on transcript NM_139057.4 (MANE Select); 3 bases into the intron before coding-DNA position 1576 through coding-DNA position 1592, 20 bases duplicated (CAGTGGTGCCGCGCGGGGGA).
Molecular consequence: splice acceptor variant.
Genome position (GRCh38, 1-based): chr15:100,132,136-100,132,155, TCCCCCGCGCGGCACCACTG duplicated on the plus strand (CAGTGGTGCCGCGCGGGGGA on the coding strand, the reverse complement: ADAMTS17 is on the minus strand). VCF-style (leftmost placement, unchanged base first): chr15-100132135-C-CTCCCCCGCGCGGCACCACTG. GRCh37 (hg19) VCF-style: chr15-100672340-C-CTCCCCCGCGCGGCACCACTG.
Identifiers: ClinVar variation 2837401 (VCV002837401.3), dbSNP rs2548392783, ClinGen allele CA2739269784.